The following is an entry in ClinVar:

ClinVar aggregate classification (germline): Benign/Likely benign. Review status: criteria provided, multiple submitters, no conflicts (2 of 4 stars). 4 submissions from 4 submitters: Benign (2); Likely benign (1). 1 of the submissions does not count toward it. Last evaluated 2026-01-19.

Conditions:
MYO18B-related disorder. Also called: MYO18B-related condition.

Allele frequency attached by ClinVar (database versions not stated): gnomAD exomes 0.00016 and 0.00036; ExAC 0.00053; ESP Exome Variant Server 0.00160; gnomAD 0.00164 and 0.00170; 1000 Genomes Project 0.00180; TOPMed 0.00185; 1000 Genomes Project 30x 0.00265.
gnomAD v4.1: 491 of 1,612,900 alleles (0.03%); highest among the groups gnomAD compares: African/African-American, 0.61%; 2 homozygotes.

Submissions (4):

Labcorp Genetics (formerly Invitae), Labcorp
Classification: Benign. Last evaluated: 2026-01-19. Review status: criteria provided, single submitter. Criteria: Invitae Variant Classification Sherloc (09022015). Collection method: clinical testing. Allele origin: germline.

Blueprint Genetics
Classification: Likely benign. Last evaluated: 2024-08-21. Review status: criteria provided, single submitter. Criteria: ACMG Guidelines, 2015. Collection method: clinical testing. Allele origin: germline.

Breakthrough Genomics
Classification: Benign. Review status: criteria provided, single submitter. Criteria: ACMG Guidelines, 2015. Collection method: not provided. Allele origin: germline. Inheritance: Autosomal recessive inheritance. Affected: yes.

PreventionGenetics, part of Exact Sciences
Classification: Likely benign for MYO18B-related condition. Last evaluated: 2024-06-17. Review status: no assertion criteria provided. Collection method: clinical testing. Allele origin: germline. Not counted in ClinVar's aggregate classification.
Comment: This variant is classified as likely benign based on ACMG/AMP sequence variant interpretation guidelines (Richards et al. 2015 PMID: 25741868, with internal and published modifications).

NM_032608.7(MYO18B):c.5916C>T (p.Ile1972=)

Gene: MYO18B (myosin XVIIIB; plus strand). Cytogenetic location: 22q12.1.
Variant type: single nucleotide variant.
Coding change: c.5916C>T on transcript NM_032608.7 (MANE Select); coding-DNA position 5916, C replaced by T.
Protein change: p.Ile1972=; no amino-acid change (isoleucine 1972 retained).
Molecular consequence: synonymous variant.
Genome position (GRCh38, 1-based): chr22:25,952,369, C>T. VCF-style: chr22-25952369-C-T. GRCh37 (hg19) VCF-style: chr22-26348335-C-T.
Other names: c.5919C>T, p.Ile1973= (NM_001318245.2).
Identifiers: ClinVar variation 742555 (VCV000742555.12), dbSNP rs138691912, ClinGen allele CA10161331.